The following is an entry in ClinVar:

NM_000038.6(APC):c.79C>T (p.Leu27=)

Gene: APC (APC regulator of Wnt signaling pathway; plus strand). Cytogenetic location: 5q22.2.
Variant type: single nucleotide variant.
Coding change: c.79C>T on transcript NM_000038.6 (MANE Select); coding-DNA position 79, C replaced by T.
Protein change: p.Leu27=; no amino-acid change (leucine 27 retained).
Molecular consequence: synonymous variant. On other transcripts: 5 prime UTR variant (1), intron variant (8).
Genome position (GRCh38, 1-based): chr5:112,754,969, C>T. VCF-style: chr5-112754969-C-T. GRCh37 (hg19) VCF-style: chr5-112090666-C-T.
Other names: c.79C>T, p.Leu27= (NM_001127510.3, NM_001354895.2, NM_001354896.2 and 2 more transcripts); c.-957C>T (NM_001354906.2); c.166-11357C>T (NM_001354897.2, NM_001354902.2, NM_001127511.3); c.61-11357C>T (NM_001354898.2, NM_001354904.2); c.-42-11357C>T (NM_001354900.2, NM_001354901.2, NM_001354905.2).
Identifiers: ClinVar variation 185378 (VCV000185378.13), dbSNP rs786202128, ClinGen allele CA014234.

ClinVar aggregate classification (germline): Benign/Likely benign. Review status: criteria provided, multiple submitters, no conflicts (2 of 4 stars). 3 submissions from 3 submitters: Benign (1); Likely benign (2). Last evaluated 2024-02-22.

Conditions:
Hereditary cancer-predisposing syndrome. Also called: Hereditary neoplastic syndrome; Neoplastic Syndromes, Hereditary; Tumor predisposition; Hereditary Cancer Syndrome. Identifiers: Orphanet 140162, MedGen C0027672, MeSH D009386, MONDO:0015356.
Familial adenomatous polyposis 1 (FAP1). Also called: FAMILIAL ADENOMATOUS POLYPOSIS 1, ATTENUATED; POLYPOSIS, ADENOMATOUS INTESTINAL. Identifiers: MedGen C2713442, MONDO:0021056, OMIM 175100. Disease mechanism: loss of function.

Submissions (3):

Myriad Genetics, Inc.
Classification: Benign for Familial adenomatous polyposis 1. Last evaluated: 2024-02-22. Review status: criteria provided, single submitter. Criteria: Myriad Autosomal Dominant, Autosomal Recessive and X-Linked Classification Criteria (2023). Collection method: clinical testing. Allele origin: unknown.
Comment: This variant is considered benign. This variant is a silent/synonymous amino acid change and it is not expected to impact splicing.

Labcorp Genetics (formerly Invitae), Labcorp
Classification: Likely benign for Familial adenomatous polyposis 1. Last evaluated: 2022-10-05. Review status: criteria provided, single submitter. Criteria: Invitae Variant Classification Sherloc (09022015). Collection method: clinical testing. Allele origin: germline.

Ambry Genetics
Classification: Likely benign for Hereditary cancer-predisposing syndrome. Last evaluated: 2014-07-09. Review status: criteria provided, single submitter. Criteria: Ambry Variant Classification Scheme 2023. Collection method: clinical testing. Allele origin: germline.